The following is an entry in ClinVar:

ClinVar aggregate classification (germline): Uncertain significance (1 of 4 stars; one submission).

Conditions:
Hereditary cancer-predisposing syndrome. Also called: Neoplastic Syndromes, Hereditary; Tumor predisposition; Hereditary Cancer Syndrome; Hereditary neoplastic syndrome. Identifiers: Orphanet 140162, MedGen C0027672, MeSH D009386, MONDO:0015356.

Submission:

Ambry Genetics
Classification: Uncertain significance for Hereditary cancer-predisposing syndrome. Last evaluated: 2022-06-04. Review status: criteria provided, single submitter. Criteria: Ambry Variant Classification Scheme 2023. Collection method: clinical testing. Allele origin: germline.
Comment: The p.K651N variant (also known as c.1953G>C), located in coding exon 15 of the BAP1 gene, results from a G to C substitution at nucleotide position 1953. The lysine at codon 651 is replaced by asparagine, an amino acid with similar properties. This amino acid position is conserved. In addition, this alteration is predicted to be tolerated by in silico analysis. Since supporting evidence is limited at this time, the clinical significance of this alteration remains unclear.

NM_004656.4(BAP1):c.1953G>C (p.Lys651Asn)

Gene: BAP1 (BRCA1 associated deubiquitinase 1; minus strand). Cytogenetic location: 3p21.1.
Variant type: single nucleotide variant.
Coding change: c.1953G>C on transcript NM_004656.4 (MANE Select); coding-DNA position 1953, G replaced by C.
Protein change: p.Lys651Asn; replaces lysine 651 with asparagine.
Molecular consequence: missense variant.
Genome position (GRCh38, 1-based): chr3:52,402,809, C>G on the plus strand (G>C on the coding strand, the complement: BAP1 is on the minus strand). VCF-style: chr3-52402809-C-G. GRCh37 (hg19) VCF-style: chr3-52436825-C-G.
Other names: c.1899G>C, p.Lys633Asn (NM_001410772.1); short protein forms K651N, K633N.
Identifiers: ClinVar variation 1783268 (VCV001783268.2), dbSNP rs2471322138, ClinGen allele CA353096610.